The following is an entry in ClinVar:

NM_006030.4(CACNA2D2):c.1017del (p.Ser340fs)

Gene: CACNA2D2 (calcium voltage-gated channel auxiliary subunit alpha2delta 2; minus strand). Cytogenetic location: 3p21.31.
Variant type: Deletion.
Coding change: c.1017del on transcript NM_006030.4 (MANE Select); coding-DNA position 1017, one base deleted (G; older notation c.1017delG).
Protein change: p.Ser340fs; shifts the reading frame from serine 340.
Molecular consequence: frameshift variant.
Genome position (GRCh38, 1-based): chr3:50,379,567, C deleted on the plus strand (G on the coding strand, the reverse complement: CACNA2D2 is on the minus strand). VCF-style (leftmost placement, unchanged base first): chr3-50379566-AC-A. GRCh37 (hg19) VCF-style: chr3-50416997-AC-A.
Other names: c.1017del, p.Ser340fs (NM_001005505.3, NM_001174051.3, NM_001410768.1); c.810del, p.Ser271fs (NM_001291101.1); short protein forms S271fs, S340fs.
Identifiers: ClinVar variation 2838006 (VCV002838006.3), dbSNP rs2471029911, ClinGen allele CA2739278000.
Genomic context (GRCh38, chr3:50,379,566, plus strand): 5'-CAGCTTCCTTGAACACCTTCTTGTTGCGCACATTGGCCTGCACCAGGTGTGTGAAGCATG[AC>A]ACAGGCTGTGCCTTCTCGTTGAACTGCAGGAACAGTAGGGTGGTGAGTGGCCTCAGGCTG-3'

ClinVar aggregate classification (germline): Pathogenic (1 of 4 stars; one submission).

Conditions:
Early-infantile DEE. Also called: Early infantile epileptic encephalopathy; Early infantile epileptic encephalopathy with suppression bursts; Ohtahara syndrome. Identifiers: Orphanet 1934, MedGen C0393706, MONDO:0800491.

Submission:

Labcorp Genetics (formerly Invitae), Labcorp
Classification: Pathogenic for Early-infantile DEE. Last evaluated: 2023-02-16. Review status: criteria provided, single submitter. Criteria: Invitae Variant Classification Sherloc (09022015). Collection method: clinical testing. Allele origin: germline.
Comment: For these reasons, this variant has been classified as Pathogenic. This variant has not been reported in the literature in individuals affected with CACNA2D2-related conditions. This variant is not present in population databases (gnomAD no frequency). This sequence change creates a premature translational stop signal (p.Ser340Hisfs*56) in the CACNA2D2 gene. It is expected to result in an absent or disrupted protein product. Loss-of-function variants in CACNA2D2 are known to be pathogenic (PMID: 24358150).

Literature cited by the submitters: PubMed 24358150.